The following is an entry in ClinVar:

NM_005529.7(HSPG2):c.10633G>A (p.Val3545Ile)

Gene: HSPG2 (heparan sulfate proteoglycan 2; minus strand). Cytogenetic location: 1p36.12.
Variant type: single nucleotide variant.
Coding change: c.10633G>A on transcript NM_005529.7 (MANE Select); coding-DNA position 10633, G replaced by A.
Protein change: p.Val3545Ile; replaces valine 3545 with isoleucine.
Molecular consequence: missense variant.
Genome position (GRCh38, 1-based): chr1:21,834,766, C>T on the plus strand (G>A on the coding strand, the complement: HSPG2 is on the minus strand). VCF-style: chr1-21834766-C-T. GRCh37 (hg19) VCF-style: chr1-22161259-C-T.
Other names: c.10633G>A (NM_005529.5); c.10636G>A, p.Val3546Ile (NM_001291860.2); short protein forms V3546I, V3545I.
Identifiers: ClinVar variation 804891 (VCV000804891.7), dbSNP rs538111168, ClinGen allele CA670064.

ClinVar aggregate classification (germline): Uncertain significance. Review status: criteria provided, multiple submitters, no conflicts (2 of 4 stars). 3 submissions from 3 submitters: Uncertain significance (3). Last evaluated 2022-05-19.

Allele frequency attached by ClinVar (database versions not stated): 1000 Genomes Project below 0.00001; TOPMed 0.00003; gnomAD exomes 0.00005; ExAC 0.00007; 1000 Genomes Project 30x 0.00047.
gnomAD v4.1: 29 of 1,614,186 alleles (0.0018%); highest among the groups gnomAD compares: Admixed American, 0.022%; no homozygotes.

Submissions (3):

Labcorp Genetics (formerly Invitae), Labcorp
Classification: Uncertain significance. Last evaluated: 2022-05-19. Review status: criteria provided, single submitter. Criteria: Invitae Variant Classification Sherloc (09022015). Collection method: clinical testing. Allele origin: germline.
Comment: This sequence change replaces valine, which is neutral and non-polar, with isoleucine, which is neutral and non-polar, at codon 3545 of the HSPG2 protein (p.Val3545Ile). This variant is present in population databases (rs538111168, gnomAD 0.04%). This variant has not been reported in the literature in individuals affected with HSPG2-related conditions. ClinVar contains an entry for this variant (Variation ID: 804891). Algorithms developed to predict the effect of missense changes on protein structure and function are either unavailable or do not agree on the potential impact of this missense change (SIFT: "Tolerated"; PolyPhen-2: "Probably Damaging"; Align-GVGD: "Class C0"). In summary, the available evidence is currently insufficient to determine the role of this variant in disease. Therefore, it has been classified as a Variant of Uncertain Significance.

Athena Diagnostics
Classification: Uncertain significance. Last evaluated: 2019-08-05. Review status: criteria provided, single submitter. Criteria: Athena Diagnostics Criteria. Collection method: clinical testing. Allele origin: germline.

Revvity Omics, Revvity
Classification: Uncertain significance. Last evaluated: 2019-07-09. Review status: criteria provided, single submitter. Criteria: ACMG Guidelines, 2015. Collection method: clinical testing. Allele origin: germline.